The following is an entry in ClinVar:

ClinVar aggregate classification (germline): Uncertain significance (1 of 4 stars; one submission).

Conditions:
Inborn genetic diseases. Identifiers: MedGen C0950123, MeSH D030342.

gnomAD v4.1: 1 of 1,532,684 alleles (0.000065%); highest among the groups gnomAD compares: Non-Finnish European, 0.000087%; no homozygotes.

Submission:

Ambry Genetics
Classification: Uncertain significance for Inborn genetic diseases. Last evaluated: 2025-11-04. Review status: criteria provided, single submitter. Criteria: Ambry Variant Classification Scheme 2023. Collection method: clinical testing. Allele origin: germline.
Comment: The p.P53A variant (also known as c.157C>G), located in coding exon 1 of the SH2B3 gene, results from a C to G substitution at nucleotide position 157. The proline at codon 53 is replaced by alanine, an amino acid with highly similar properties. This amino acid position is conserved. In addition, this alteration is predicted to be tolerated by in silico analysis. Based on the available evidence, the clinical significance of this variant remains unclear.

NM_005475.3(SH2B3):c.157C>G (p.Pro53Ala)

Gene: SH2B3 (SH2B adaptor protein 3; plus strand). Cytogenetic location: 12q24.12.
Variant type: single nucleotide variant.
Coding change: c.157C>G on transcript NM_005475.3 (MANE Select); coding-DNA position 157, C replaced by G.
Protein change: p.Pro53Ala; replaces proline 53 with alanine.
Molecular consequence: missense variant.
Genome position (GRCh38, 1-based): chr12:111,418,302, C>G. VCF-style: chr12-111418302-C-G. GRCh37 (hg19) VCF-style: chr12-111856106-C-G.
Other names: short protein forms P53A.
Identifiers: ClinVar variation 4630746 (VCV004630746.1).